The following is an entry in ClinVar:

NM_007294.4(BRCA1):c.4430T>G (p.Phe1477Cys)

Gene: BRCA1 (BRCA1 DNA repair associated; minus strand). Cytogenetic location: 17q21.31.
Variant type: single nucleotide variant.
Coding change: c.4430T>G on transcript NM_007294.4 (MANE Select); coding-DNA position 4430, T replaced by G.
Protein change: p.Phe1477Cys; replaces phenylalanine 1477 with cysteine.
Molecular consequence: missense variant. On other transcripts: intron variant (3).
Genome position (GRCh38, 1-based): chr17:43,076,542, A>C on the plus strand (T>G on the coding strand, the complement: BRCA1 is on the minus strand). VCF-style: chr17-43076542-A-C. GRCh37 (hg19) VCF-style: chr17-41228559-A-C.
Other names: c.4286T>G, p.Phe1429Cys (NM_001407945.1, NM_001407732.1, NM_001407733.1 and 21 more transcripts); c.4097T>G, p.Phe1366Cys (NM_001407946.1, NM_001407947.1, NM_001407948.1 and 1 more transcripts); c.4094T>G, p.Phe1365Cys (NM_001407950.1, NM_001407951.1, NM_001407952.1 and 3 more transcripts); c.4091T>G, p.Phe1364Cys (NM_001407956.1, NM_001407957.1, NM_001407958.1); c.4049T>G, p.Phe1350Cys (NM_001407959.1); c.4046T>G, p.Phe1349Cys (NM_001407960.1, NM_001407962.1); c.4043T>G, p.Phe1348Cys (NM_001407963.1); c.3923T>G, p.Phe1308Cys (NM_001407965.1); and 71 more; short protein forms F1180C, F1181C, F1308C, F1348C, F1349C, F1350C, F1364C, F1365C.
Identifiers: ClinVar variation 3240942 (VCV003240942.2), dbSNP rs876660550.

ClinVar aggregate classification (germline): Uncertain significance. Review status: criteria provided, multiple submitters, no conflicts (2 of 4 stars). 2 submissions from 2 submitters: Uncertain significance (2). Last evaluated 2025-06-28.

Conditions:
Hereditary cancer-predisposing syndrome. Also called: Neoplastic Syndromes, Hereditary; Tumor predisposition; Hereditary Cancer Syndrome; Hereditary neoplastic syndrome. Identifiers: Orphanet 140162, MedGen C0027672, MeSH D009386, MONDO:0015356.
Breast-ovarian cancer, familial, susceptibility to, 1 (BROVCA1). Also called: BRCA1 Hereditary Breast and Ovarian Cancer; OVARIAN CANCER, SUSCEPTIBILITY TO. Identifiers: Orphanet 145, MedGen C2676676, MONDO:0011450, OMIM 604370. Disease mechanism: loss of function.

Submissions (2):

Ambry Genetics
Classification: Uncertain significance for Hereditary cancer-predisposing syndrome. Last evaluated: 2025-06-28. Review status: criteria provided, single submitter. Criteria: Ambry Variant Classification Scheme 2023. Collection method: clinical testing. Allele origin: germline.
Comment: The p.F1477C variant (also known as c.4430T>G), located in coding exon 12 of the BRCA1 gene, results from a T to G substitution at nucleotide position 4430. The phenylalanine at codon 1477 is replaced by cysteine, an amino acid with highly dissimilar properties. This amino acid position is conserved. In addition, the in silico prediction for this alteration is inconclusive. Based on the available evidence, the clinical significance of this variant remains unclear.

Baylor Genetics
Classification: Uncertain significance for Breast-ovarian cancer, familial, susceptibility to, 1. Last evaluated: 2024-01-05. Review status: criteria provided, single submitter. Criteria: ACMG Guidelines, 2015. Collection method: clinical testing. Allele origin: unknown.